The following is an entry in ClinVar:

NM_014055.4(IFT81):c.1418G>A (p.Ser473Asn)

Gene: IFT81 (intraflagellar transport 81; plus strand). Cytogenetic location: 12q24.11.
Variant type: single nucleotide variant.
Coding change: c.1418G>A on transcript NM_014055.4 (MANE Select); coding-DNA position 1418, G replaced by A.
Protein change: p.Ser473Asn; replaces serine 473 with asparagine.
Molecular consequence: missense variant. On other transcripts: non-coding transcript variant (4).
Genome position (GRCh38, 1-based): chr12:110,190,999, G>A. VCF-style: chr12-110190999-G-A. GRCh37 (hg19) VCF-style: chr12-110628804-G-A.
Other names: c.1418G>A, p.Ser473Asn (NM_001143779.2); c.488G>A, p.Ser163Asn (NM_001347947.2, NM_001347948.2); c.1418G>A (NM_014055.3); short protein forms S473N, S163N.
Identifiers: ClinVar variation 1918945 (VCV001918945.5), dbSNP rs374203936, ClinGen allele CA6783363.
Genomic context (GRCh38, chr12:110,190,999, plus strand): 5'-AGGGTATATCTGGATATAGTTACACCCAAGAAGAGCTAGAAAGAGTATCTGCACTGAAGA[G>A]TGAAGTTGATGAAATGAAAGGACGAACATTGGATGATATGTCTGAAATGGTGATGATACT-3'
Protein context (NP_054774.2, residues 463-483): EELERVSALK[Ser473Asn]EVDEMKGRTL

ClinVar aggregate classification (germline): Uncertain significance. Review status: criteria provided, multiple submitters, no conflicts (2 of 4 stars). 3 submissions from 3 submitters: Uncertain significance (3). Last evaluated 2024-06-26.

Conditions:
Inborn genetic diseases. Identifiers: MedGen C0950123, MeSH D030342.

Allele frequency attached by ClinVar (database versions not stated): ExAC 0.00001; gnomAD 0.00002; TOPMed 0.00003; gnomAD exomes 0.00004; ESP Exome Variant Server 0.00008.
gnomAD v4.1: 60 of 1,610,000 alleles (0.0037%); highest among the groups gnomAD compares: Non-Finnish European, 0.0048%; no homozygotes.

Submissions (3):

Blueprint Genetics
Classification: Uncertain significance. Last evaluated: 2024-06-26. Review status: criteria provided, single submitter. Criteria: ACMG Guidelines, 2015. Collection method: clinical testing. Allele origin: germline.

Ambry Genetics
Classification: Uncertain significance for Inborn genetic diseases. Last evaluated: 2023-12-15. Review status: criteria provided, single submitter. Criteria: Ambry Variant Classification Scheme 2023. Collection method: clinical testing. Allele origin: germline.

Labcorp Genetics (formerly Invitae), Labcorp
Classification: Uncertain significance. Last evaluated: 2022-01-07. Review status: criteria provided, single submitter. Criteria: Invitae Variant Classification Sherloc (09022015). Collection method: clinical testing. Allele origin: germline.
Comment: In summary, the available evidence is currently insufficient to determine the role of this variant in disease. Therefore, it has been classified as a Variant of Uncertain Significance. Algorithms developed to predict the effect of missense changes on protein structure and function are either unavailable or do not agree on the potential impact of this missense change (SIFT: "Deleterious"; PolyPhen-2: "Possibly Damaging"; Align-GVGD: "Class C0"). This variant has not been reported in the literature in individuals affected with IFT81-related conditions. This variant is present in population databases (rs374203936, gnomAD 0.002%). This sequence change replaces serine, which is neutral and polar, with asparagine, which is neutral and polar, at codon 473 of the IFT81 protein (p.Ser473Asn).